The following is an entry in ClinVar:

NM_000261.2(MYOC):c.1193A>G (p.Lys398Arg)

Gene: MYOC (myocilin; minus strand). Cytogenetic location: 1q24.3.
Variant type: single nucleotide variant.
Coding change: c.1193A>G on transcript NM_000261.2 (MANE Select); coding-DNA position 1193, A replaced by G.
Protein change: p.Lys398Arg; replaces lysine 398 with arginine.
Molecular consequence: missense variant.
Genome position (GRCh38, 1-based): chr1:171,636,247, T>C on the plus strand (A>G on the coding strand, the complement: MYOC is on the minus strand). VCF-style: chr1-171636247-T-C. GRCh37 (hg19) VCF-style: chr1-171605387-T-C.
Other names: NM_000261.2(MYOC):c.1193A>G; short protein forms K398R.
Identifiers: ClinVar variation 403218 (VCV000403218.40), dbSNP rs56314834, ClinGen allele CA1244064.

ClinVar aggregate classification (germline): Benign. Review status: reviewed by expert panel (3 of 4 stars). 9 submissions from 9 submitters: Benign (1). 8 of the submissions do not count toward it. Last evaluated 2026-02-18.

Conditions:
Open-angle glaucoma. Identifiers: MedGen C0017612, MONDO:0005338, HP:0012108.
MYOC-related disorder. Also called: MYOC-related disorders; MYOC-related condition. Identifiers: MedGen CN239330.
Glaucoma. Identifiers: MedGen C0017601, MONDO:0005041, HP:0000501.
Glaucoma 1, open angle, A (GLC1A). Also called: Glaucoma, Dominant (Juvenile Onset). Identifiers: Orphanet 98977, MedGen C1842028, MONDO:0007664, OMIM 137750.

Allele frequency attached by ClinVar (database versions not stated): 1000 Genomes Project 0.00200; 1000 Genomes Project 30x 0.00219; ExAC 0.00317; gnomAD exomes 0.00348 and 0.00608; gnomAD 0.00395 and 0.00406; ESP Exome Variant Server 0.00408; TOPMed 0.00428.
gnomAD v4.1: 9,456 of 1,614,158 alleles (0.59%); highest among the groups gnomAD compares: Non-Finnish European, 0.74%; 38 homozygotes.

Submissions (9):

ClinGen Glaucoma Variant Curation Expert Panel
Classification: Benign for Open-angle glaucoma. Last evaluated: 2026-02-18. Review status: reviewed by expert panel. Criteria: ClinGen Glaucoma ACMG Specifications V2.0.0 Approved. Collection method: curation. Allele origin: germline. Inheritance: Autosomal dominant inheritance.
Comment: The c.1193A>G variant in MYOC is a missense variant predicted to cause substitution of Lysine by Arginine at amino acid 398 (p.Lys398Arg). The highest minor allele frequency of this variant was in the European (non-Finnish) genetic ancestry group of gnomAD (v4.1.0) = 0.007400, which met the ≥ 0.001 threshold set for BS1 (8,732 alleles out of 1,180,024, meeting the threshold of ≥ 5 of at least 2,000 observed alleles). The REVEL score = 0.207, which is within the 0.184-0.290 range for BP4, suggesting that the variant does not impact MYOC function. The Lys398Arg protein had similar solubility, stability and secretion levels compared to wild type myocilin protein in these studies (PMIDs: 10545602, 11004290, 16466712, 21612213). The assays met the OddsPath threshold for BS3_Moderate (< 0.23), indicating that this variant did not impact protein function. This protein has also been assessed in these other studies (PMIDs: 11152659, 24333014, 36579626), however, the same level of evidence was not met. As BS1 was met, PP1 did not apply and segregations were not counted. Although probands with juvenile or primary open angle glaucoma have been reported carrying this variant, PM2_Supporting was not met, therefore PS4 did not apply. In summary, this variant met the criteria to receive a score of -7 and to be classified as benign (benign classification ≤ -7, adapted from PMID: 32720330) for juvenile open angle glaucoma based on the ACMG/AMP criteria met, as specified by the ClinGen Glaucoma VCEP (v2.0.0, 5 Dec 2024): BS1, BS3_Moderate, BP4.

PreventionGenetics, part of Exact Sciences
Classification: Benign for MYOC-related condition. Last evaluated: 2026-08-13. Review status: criteria provided, single submitter. Criteria: ACMG Guidelines, 2015. Collection method: clinical testing. Allele origin: germline. Not counted in ClinVar's aggregate classification.
Comment: This variant is classified as benign based on ACMG/AMP sequence variant interpretation guidelines (Richards et al. 2015 PMID: 25741868, with internal and published modifications).

Labcorp Genetics (formerly Invitae), Labcorp
Classification: Benign. Last evaluated: 2025-10-07. Review status: criteria provided, single submitter. Criteria: Invitae Variant Classification Sherloc (09022015). Collection method: clinical testing. Allele origin: germline. Not counted in ClinVar's aggregate classification.

Fulgent Genetics
Classification: Likely benign for Glaucoma 1, open angle, A. Last evaluated: 2022-01-03. Review status: criteria provided, single submitter. Criteria: ACMG Guidelines, 2015. Collection method: clinical testing. Allele origin: unknown. Not counted in ClinVar's aggregate classification.

GeneDx
Classification: Benign. Last evaluated: 2020-03-03. Review status: criteria provided, single submitter. Criteria: GeneDx Variant Classification Process June 2021. Collection method: clinical testing. Allele origin: germline. Affected: yes. Not counted in ClinVar's aggregate classification.
Comment: This variant is associated with the following publications: (PMID: 11152659, 17893664, 16936947, 20668460, 16431959, 17615537, 16358725, 11004290, 20981092, 22995991, 16466712)

Center for Pediatric Genomic Medicine, Children's Mercy Hospital and Clinics
Classification: Likely benign. Last evaluated: 2017-05-17. Review status: criteria provided, single submitter. Criteria: ACMG Guidelines, 2015. Collection method: clinical testing. Allele origin: germline. Not counted in ClinVar's aggregate classification.

Illumina Laboratory Services, Illumina
Classification: Benign for Glaucoma. Last evaluated: 2017-04-27. Review status: criteria provided, single submitter. Criteria: ICSL Variant Classification Criteria 13 December 2019. Collection method: clinical testing. Allele origin: germline. Not counted in ClinVar's aggregate classification.
Comment: This variant was observed as part of a predisposition screen in an ostensibly healthy population. A literature search was performed for the gene, cDNA change, and amino acid change (where applicable). Publications were found based on this search. The evidence from the literature, in combination with allele frequency data from public databases where available, was sufficient to rule this variant out of causing disease. Therefore, this variant is classified as benign.

Laboratory for Molecular Medicine, Mass General Brigham Personalized Medicine
Classification: Uncertain significance. Last evaluated: 2016-03-28. Review status: criteria provided, single submitter. Criteria: LMM Criteria. Collection method: clinical testing. Allele origin: germline. Not counted in ClinVar's aggregate classification.
Comment: Variant identified in a genome or exome case(s) and assessed due to predicted null impact of the variant or pathogenic assertions in the literature or databases. Disclaimer: This variant has not undergone full assessment. The following are preliminary notes: ExAC frequency

Breakthrough Genomics
Classification: Likely benign. Review status: criteria provided, single submitter. Criteria: ACMG Guidelines, 2015. Collection method: not provided. Allele origin: germline. Inheritance: Autosomal dominant inheritance. Affected: yes. Not counted in ClinVar's aggregate classification.

Literature cited by the submitters: PubMed 11004290 (cited by ClinGen Glaucoma Variant Curation Expert Panel and Illumina Laboratory Services, Illumina); PubMed 21612213 (cited by ClinGen Glaucoma Variant Curation Expert Panel); PubMed 24333014 (cited by ClinGen Glaucoma Variant Curation Expert Panel); PubMed 10545602 (cited by ClinGen Glaucoma Variant Curation Expert Panel); PubMed 36579626 (cited by ClinGen Glaucoma Variant Curation Expert Panel); PubMed 16466712 (cited by ClinGen Glaucoma Variant Curation Expert Panel); PubMed 11152659 (cited by ClinGen Glaucoma Variant Curation Expert Panel and Illumina Laboratory Services, Illumina); PubMed 10196380 (cited by Illumina Laboratory Services, Illumina).